The following is an entry in ClinVar:

NM_003024.3(ITSN1):c.3389C>G (p.Ala1130Gly)

Gene: ITSN1 (intersectin 1; plus strand). Cytogenetic location: 21q22.11.
Variant type: single nucleotide variant.
Coding change: c.3389C>G on transcript NM_003024.3 (MANE Select); coding-DNA position 3389, C replaced by G.
Protein change: p.Ala1130Gly; replaces alanine 1130 with glycine.
Molecular consequence: missense variant.
Genome position (GRCh38, 1-based): chr21:33,834,344, C>G. VCF-style: chr21-33834344-C-G. GRCh37 (hg19) VCF-style: chr21-35206648-C-G.
Other names: c.3389C>G, p.Ala1130Gly (NM_001001132.2); c.3176C>G, p.Ala1059Gly (NM_001331008.2); c.3374C>G, p.Ala1125Gly (NM_001331009.2, NM_001331010.2); c.3161C>G, p.Ala1054Gly (NM_001331011.2); c.3263C>G, p.Ala1088Gly (NM_001331012.2); short protein forms A1054G, A1125G, A1130G, A1088G, A1059G.
Identifiers: ClinVar variation 5008873 (VCV005008873.1).
Genomic context (GRCh38, chr21:33,834,344, plus strand): 5'-TGATGTAATTATTTTCTTACTAGGCACGTGGGAAAAAGCGCCAGATAGGCTGGTTCCCAG[C>G]TAATTATGTAAAGCTTCTAAGCCCTGGGACGAGCAAAATCACTCCAACAGAGCCACCTAA-3'
Protein context (NP_003015.2, residues 1120-1140): GKKRQIGWFP[Ala1130Gly]NYVKLLSPGT

ClinVar aggregate classification (germline): Uncertain significance (1 of 4 stars; one submission).

Submission:

GeneDx
Classification: Uncertain significance. Last evaluated: 2026-03-12. Review status: criteria provided, single submitter. Criteria: GeneDx Variant Classification Process June 2021. Collection method: clinical testing. Allele origin: germline.
Comment: Not observed at significant frequency in large population cohorts (gnomAD); In silico analysis supports that this missense variant has a deleterious effect on protein structure/function; Has not been previously published as pathogenic or benign to our knowledge